The following is an entry in ClinVar:

NM_033505.4(SELENOI):c.1013T>C (p.Val338Ala)

Gene: SELENOI (selenoprotein I; plus strand). Cytogenetic location: 2p23.3.
Variant type: single nucleotide variant.
Coding change: c.1013T>C on transcript NM_033505.4 (MANE Select); coding-DNA position 1013, T replaced by C.
Protein change: p.Val338Ala; replaces valine 338 with alanine.
Molecular consequence: missense variant. On other transcripts: non-coding transcript variant (1).
Genome position (GRCh38, 1-based): chr2:26,386,454, T>C. VCF-style: chr2-26386454-T-C. GRCh37 (hg19) VCF-style: chr2-26609322-T-C.
Other names: c.1013T>C (NM_033505.2); short protein forms V338A.
Identifiers: ClinVar variation 790499 (VCV000790499.8), dbSNP rs116494260, ClinGen allele CA1561657.

ClinVar aggregate classification (germline): Conflicting classifications of pathogenicity. Review status: criteria provided, conflicting classifications (1 of 4 stars). 3 submissions from 3 submitters: Uncertain significance (1); Benign (1); Likely benign (1). Last evaluated 2026-03-01.

Allele frequency attached by ClinVar (database versions not stated): gnomAD exomes 0.00025 and 0.00069; ExAC 0.00087; 1000 Genomes Project 0.00240; 1000 Genomes Project 30x 0.00265; ESP Exome Variant Server 0.00267; gnomAD 0.00293 and 0.00315; TOPMed 0.00355.
gnomAD v4.1: 815 of 1,613,850 alleles (0.051%); highest among the groups gnomAD compares: African/African-American, 1%; 5 homozygotes.

Submissions (3):

CeGaT Center for Human Genetics Tuebingen
Classification: Likely benign. Last evaluated: 2026-03-01. Review status: criteria provided, single submitter. Criteria: CeGaT Center For Human Genetics Tuebingen Variant Classification Criteria Version 2. Collection method: clinical testing. Allele origin: germline. Affected: yes. Observed: 1 variant allele.
Comment: SELENOI: BP4, BS1

Ambry Genetics
Classification: Uncertain significance. Last evaluated: 2025-08-29. Review status: criteria provided, single submitter. Criteria: Ambry Variant Classification Scheme 2023. Collection method: clinical testing. Allele origin: germline.

Labcorp Genetics (formerly Invitae), Labcorp
Classification: Benign. Last evaluated: 2018-07-15. Review status: criteria provided, single submitter. Criteria: Invitae Variant Classification Sherloc (09022015). Collection method: clinical testing. Allele origin: germline.